The following is an entry in ClinVar:

ClinVar aggregate classification (germline): Conflicting classifications of pathogenicity. Review status: criteria provided, conflicting classifications (1 of 4 stars). 3 submissions from 3 submitters: Uncertain significance (2); Likely benign (1). Last evaluated 2023-07-18.

Conditions:
Hereditary nonpolyposis colorectal neoplasms. Identifiers: MedGen C0009405, MeSH D003123.
Hereditary cancer-predisposing syndrome. Also called: Hereditary Cancer Syndrome; Hereditary neoplastic syndrome; Neoplastic Syndromes, Hereditary; Tumor predisposition. Identifiers: Orphanet 140162, MedGen C0027672, MeSH D009386, MONDO:0015356.

Allele frequency attached by ClinVar (database versions not stated): ExAC 0.00001; gnomAD exomes 0.00001.
gnomAD v4.1: 4 of 1,614,162 alleles (0.00025%); highest among the groups gnomAD compares: South Asian, 0.0044%; no homozygotes.

Submissions (3):

Quest Diagnostics Nichols Institute San Juan Capistrano
Classification: Uncertain significance. Last evaluated: 2023-07-18. Review status: criteria provided, single submitter. Criteria: Quest Diagnostics criteria. Collection method: clinical testing. Allele origin: unknown.
Comment: This variant has not been reported in the published literature. The frequency of this variant in the general population, 0.000008 (2/251288 chromosomes (Genome Aggregation Database)), is uninformative in the assessment of its pathogenicity. Analysis of this variant using bioinformatics tools for the prediction of the effect of amino acid changes on protein structure and function yielded predictions that this variant is benign. Based on the available information, we are unable to determine the clinical significance of this variant.

Labcorp Genetics (formerly Invitae), Labcorp
Classification: Likely benign for Hereditary nonpolyposis colorectal neoplasms. Last evaluated: 2022-11-28. Review status: criteria provided, single submitter. Criteria: Invitae Variant Classification Sherloc (09022015). Collection method: clinical testing. Allele origin: germline.

Ambry Genetics
Classification: Uncertain significance for Hereditary cancer-predisposing syndrome. Last evaluated: 2017-05-31. Review status: criteria provided, single submitter. Criteria: Ambry Variant Classification Scheme 2023. Collection method: clinical testing. Allele origin: germline.
Comment: The p.K299N variant (also known as c.897G>T), located in coding exon 4 of the MSH6 gene, results from a G to T substitution at nucleotide position 897. The lysine at codon 299 is replaced by asparagine, an amino acid with similar properties. This amino acid position is highly conserved in available vertebrate species. In addition, the in silico prediction for this alteration is inconclusive. In addition, the CoDP in silico tool predicts this alteration to have minor impact on molecular function, with a score of 0.000 (Terui H et al. J. Biomed. Sci. 2013 Apr;20:25). Since supporting evidence is limited at this time, the clinical significance of this alteration remains unclear.

Literature cited by the submitters: PubMed 23621914 (cited by Quest Diagnostics Nichols Institute San Juan Capistrano).

NM_000179.3(MSH6):c.897G>T (p.Lys299Asn)

Gene: MSH6 (mutS homolog 6; plus strand). Cytogenetic location: 2p16.3.
Variant type: single nucleotide variant.
Coding change: c.897G>T on transcript NM_000179.3 (MANE Select); coding-DNA position 897, G replaced by T.
Protein change: p.Lys299Asn; replaces lysine 299 with asparagine.
Molecular consequence: missense variant. On other transcripts: 5 prime UTR variant (2).
Genome position (GRCh38, 1-based): chr2:47,798,880, G>T. VCF-style: chr2-47798880-G-T. GRCh37 (hg19) VCF-style: chr2-48026019-G-T.
Other names: c.507G>T, p.Lys169Asn (NM_001281492.2); c.-10G>T (NM_001281493.2, NM_001281494.2); short protein forms K299N, K169N.
Identifiers: ClinVar variation 455357 (VCV000455357.14), dbSNP rs755878786, ClinGen allele CA073549.